The following is an entry in ClinVar:

NM_000179.3(MSH6):c.3794G>C (p.Gly1265Ala)

Gene: MSH6 (mutS homolog 6; plus strand). Cytogenetic location: 2p16.3.
Variant type: single nucleotide variant.
Coding change: c.3794G>C on transcript NM_000179.3 (MANE Select); coding-DNA position 3794, G replaced by C.
Protein change: p.Gly1265Ala; replaces glycine 1265 with alanine.
Molecular consequence: missense variant. On other transcripts: non-coding transcript variant (5).
Genome position (GRCh38, 1-based): chr2:47,806,351, G>C. VCF-style: chr2-47806351-G-C. GRCh37 (hg19) VCF-style: chr2-48033490-G-C.
Other names: c.2888G>C, p.Gly963Ala (NM_001406814.1, NM_001406815.1, NM_001406816.1 and 6 more transcripts); c.2228G>C, p.Gly743Ala (NM_001406817.1); c.3497G>C, p.Gly1166Ala (NM_001406818.1, NM_001406819.1, NM_001406820.1 and 10 more transcripts); c.3626G>C, p.Gly1209Ala (NM_001406826.1); c.575G>C, p.Gly192Ala (NM_001406831.1); c.641G>C, p.Gly214Ala (NM_001406832.1); c.1739G>C, p.Gly580Ala (NM_001407362.1); c.3890G>C, p.Gly1297Ala (NM_001406802.1, NM_001406795.1); and 7 more; short protein forms G1135A, G1207A, G1209A, G192A, G1239A, G580A, G977A, G1267A.
Identifiers: ClinVar variation 5024881 (VCV005024881.1).

ClinVar aggregate classification (germline): Uncertain significance (1 of 4 stars; one submission).

Conditions:
Hereditary cancer-predisposing syndrome. Also called: Neoplastic Syndromes, Hereditary; Tumor predisposition; Hereditary neoplastic syndrome; Hereditary Cancer Syndrome. Identifiers: Orphanet 140162, MedGen C0027672, MeSH D009386, MONDO:0015356.

Submission:

Ambry Genetics
Classification: Uncertain significance for Hereditary cancer-predisposing syndrome. Last evaluated: 2026-07-02. Review status: criteria provided, single submitter. Criteria: Ambry Variant Classification Scheme 2023. Collection method: clinical testing. Allele origin: germline.
Comment: The p.G1265A variant (also known as c.3794G>C), located in coding exon 8 of the MSH6 gene, results from a G to C substitution at nucleotide position 3794. The glycine at codon 1265 is replaced by alanine, an amino acid with similar properties. This amino acid position is conserved. In addition, this alteration is predicted to be deleterious by in silico analysis. Based on the available evidence, the clinical significance of this variant remains unclear.